The following is an entry in ClinVar:

ClinVar aggregate classification (germline): Benign. Review status: criteria provided, multiple submitters, no conflicts (2 of 4 stars). 2 submissions from 2 submitters: Benign (2). Last evaluated 2018-01-13.

Conditions:
Miller syndrome (POADS). Also called: GENEE-WIEDEMANN SYNDROME; Genee-Wiedemann acrofacial dysostosis. Identifiers: Orphanet 246, MedGen C0265257, MONDO:0009903, OMIM 263750.

Allele frequency attached by ClinVar (database versions not stated): 1000 Genomes Project 30x 0.54122; TOPMed 0.54283; 1000 Genomes Project 0.54373; gnomAD 0.55819 and 0.56018; gnomAD exomes 0.57692.

Submissions (2):

Illumina Laboratory Services, Illumina
Classification: Benign for Miller syndrome. Last evaluated: 2018-01-13. Review status: criteria provided, single submitter. Criteria: ICSL Variant Classification Criteria 13 December 2019. Collection method: clinical testing. Allele origin: germline.
Comment: This variant was observed in the ICSL laboratory as part of a predisposition screen in an ostensibly healthy population. It had not been previously curated by ICSL or reported in the Human Gene Mutation Database (HGMD: prior to June 1st, 2018), and was therefore a candidate for classification through an automated scoring system. Utilizing variant allele frequency, disease prevalence and penetrance estimates, and inheritance mode, an automated score was calculated to assess if this variant is too frequent to cause the disease. Based on the score and internal cut-off values, a variant classified as benign is not then subjected to further curation. The score for this variant resulted in a classification of benign for this disease.

Breakthrough Genomics
Classification: Benign. Review status: criteria provided, single submitter. Criteria: ACMG Guidelines, 2015. Collection method: not provided. Allele origin: germline. Inheritance: Autosomal recessive inheritance. Affected: yes.

NM_001361.5(DHODH):c.*783A>G

Gene: DHODH (dihydroorotate dehydrogenase (quinone); plus strand). Cytogenetic location: 16q22.2.
Variant type: single nucleotide variant.
Coding change: c.*783A>G on transcript NM_001361.5 (MANE Select); 783 bases downstream of the stop codon, A replaced by G.
Molecular consequence: 3 prime UTR variant.
Genome position (GRCh38, 1-based): chr16:72,024,982, A>G. VCF-style: chr16-72024982-A-G. GRCh37 (hg19) VCF-style: chr16-72058881-A-G.
Identifiers: ClinVar variation 320453 (VCV000320453.6), dbSNP rs2288000, ClinGen allele CA10638320.
Genomic context (GRCh38, chr16:72,024,982, plus strand): 5'-TTGCACCAGTGCACTCCAGCTTGGGCGACAGATCAAGACTCTGTCACACACAAAACAAAC[A>G]AACAAATTTTCCCGTTTCTCTCTGTCCCTTTCTCTATAACATGGATAAAATATTCACGTC-3'